The following is an entry in ClinVar:

ClinVar aggregate classification (germline): Uncertain significance (1 of 4 stars; one submission).

Conditions:
MUC16-related disorder. Also called: MUC16-related condition.

Submission:

PreventionGenetics, part of Exact Sciences
Classification: Uncertain significance for MUC16-related condition. Last evaluated: 2025-12-05. Review status: criteria provided, single submitter. Criteria: ACMG Guidelines, 2015. Collection method: clinical testing. Allele origin: germline.
Comment: The MUC16 c.35383G>A variant is predicted to result in the amino acid substitution p.Val11795Ile. To our knowledge, this variant has not been reported in the literature or in a large population database (gnomAD), indicating this variant is rare. At this time, the clinical significance of this variant is uncertain due to the absence of conclusive functional and genetic evidence.

NM_001401501.2(MUC16):c.35503G>A (p.Val11835Ile)

Gene: MUC16 (mucin 16, cell surface associated; minus strand). Cytogenetic location: 19p13.2.
Variant type: single nucleotide variant.
Coding change: c.35503G>A on transcript NM_001401501.2 (MANE Select); coding-DNA position 35503, G replaced by A.
Protein change: p.Val11835Ile; replaces valine 11835 with isoleucine.
Molecular consequence: missense variant.
Genome position (GRCh38, 1-based): chr19:8,935,572, C>T on the plus strand (G>A on the coding strand, the complement: MUC16 is on the minus strand). VCF-style: chr19-8935572-C-T. GRCh37 (hg19) VCF-style: chr19-9046248-C-T.
Other names: c.35929G>A, p.Val11977Ile (NM_001414686.1); c.35383G>A, p.Val11795Ile (NM_001414687.1, NM_024690.2); short protein forms V11795I, V11835I, V11977I.
Identifiers: ClinVar variation 4982313 (VCV004982313.1).
Genomic context (GRCh38, chr19:8,935,572, plus strand): 5'-GGAGAGCTGTGCTAGTCTCTGCACCAGGTCTAATGGTGAGTGAGGCTGTGGTCTCTGATA[C>T]TTGAGGAAACACAGTTGAAGCAGGAAATGTTTTACTTGTCTCTGTTCTGGGATGGGTGCT-3'
Protein context (NP_001388430.1, residues 11825-11845): TFPASTVFPQ[Val11835Ile]SETTASLTIR